The following is an entry in ClinVar:

NM_003079.5(SMARCE1):c.116A>G (p.Tyr39Cys)

Gene: SMARCE1 (SWI/SNF related BAF chromatin remodeling complex subunit E1; minus strand). Cytogenetic location: 17q21.2.
Variant type: single nucleotide variant.
Coding change: c.116A>G on transcript NM_003079.5 (MANE Select); coding-DNA position 116, A replaced by G.
Protein change: p.Tyr39Cys; replaces tyrosine 39 with cysteine.
Molecular consequence: missense variant.
Genome position (GRCh38, 1-based): chr17:40,642,495, T>C on the plus strand (A>G on the coding strand, the complement: SMARCE1 is on the minus strand). VCF-style: chr17-40642495-T-C. GRCh37 (hg19) VCF-style: chr17-38798747-T-C.
Other names: short protein forms Y39C.
Identifiers: ClinVar variation 2576893 (VCV002576893.6), dbSNP rs2508613520, ClinGen allele CA399369731.

ClinVar aggregate classification (germline): Uncertain significance. Review status: criteria provided, multiple submitters, no conflicts (2 of 4 stars). 4 submissions from 4 submitters: Uncertain significance (4). Last evaluated 2025-07-03.

Conditions:
Hereditary cancer-predisposing syndrome. Also called: Tumor predisposition; Neoplastic Syndromes, Hereditary; Hereditary Cancer Syndrome; Hereditary neoplastic syndrome. Identifiers: Orphanet 140162, MedGen C0027672, MeSH D009386, MONDO:0015356.
Familial meningioma. Also called: Meningioma, familial, susceptibility to. Identifiers: Orphanet 263662, MedGen C3551915, MONDO:0011789, OMIM 607174.

Allele frequency attached by ClinVar (database versions not stated): gnomAD exomes below 0.00001.
gnomAD v4.1: 1 of 1,612,680 alleles (0.000062%); highest among the groups gnomAD compares: Non-Finnish European, 0.000085%; no homozygotes.

Submissions (4):

Ambry Genetics
Classification: Uncertain significance for Hereditary cancer-predisposing syndrome. Last evaluated: 2025-07-03. Review status: criteria provided, single submitter. Criteria: Ambry Variant Classification Scheme 2023. Collection method: clinical testing. Allele origin: germline.
Comment: The p.Y39C variant (also known as c.116A>G), located in coding exon 3 of the SMARCE1 gene, results from an A to G substitution at nucleotide position 116. The tyrosine at codon 39 is replaced by cysteine, an amino acid with highly dissimilar properties. This amino acid position is conserved. In addition, the in silico prediction for this alteration is inconclusive. Based on the available evidence, the clinical significance of this variant remains unclear.

GeneDx
Classification: Uncertain significance. Last evaluated: 2023-02-15. Review status: criteria provided, single submitter. Criteria: GeneDx Variant Classification Process June 2021. Collection method: clinical testing. Allele origin: germline. Affected: yes.
Comment: Not observed at significant frequency in large population cohorts (gnomAD); In silico analysis supports that this missense variant has a deleterious effect on protein structure/function; Has not been previously published as pathogenic or benign to our knowledge; This variant is associated with the following publications: (PMID: 19245665)

Labcorp Genetics (formerly Invitae), Labcorp
Classification: Uncertain significance for Familial meningioma. Last evaluated: 2023-02-02. Review status: criteria provided, single submitter. Criteria: Invitae Variant Classification Sherloc (09022015). Collection method: clinical testing. Allele origin: germline.
Comment: In summary, the available evidence is currently insufficient to determine the role of this variant in disease. Therefore, it has been classified as a Variant of Uncertain Significance. Advanced modeling of protein sequence and biophysical properties (such as structural, functional, and spatial information, amino acid conservation, physicochemical variation, residue mobility, and thermodynamic stability) performed at Invitae indicates that this missense variant is expected to disrupt SMARCE1 protein function. This variant has not been reported in the literature in individuals affected with SMARCE1-related conditions. This variant is not present in population databases (gnomAD no frequency). This sequence change replaces tyrosine, which is neutral and polar, with cysteine, which is neutral and slightly polar, at codon 39 of the SMARCE1 protein (p.Tyr39Cys).

Blueprint Genetics
Classification: Uncertain significance. Last evaluated: 2022-08-11. Review status: criteria provided, single submitter. Criteria: ACMG Guidelines, 2015. Collection method: clinical testing. Allele origin: germline.